The following is an entry in ClinVar:

ClinVar aggregate classification (germline): Uncertain significance (1 of 4 stars; one submission).

Allele frequency attached by ClinVar (database versions not stated): gnomAD 0.00001; 1000 Genomes Project 30x 0.00016; 1000 Genomes Project 0.00020.

Submission:

Labcorp Genetics (formerly Invitae), Labcorp
Classification: Uncertain significance. Last evaluated: 2023-11-28. Review status: criteria provided, single submitter. Criteria: Invitae Variant Classification Sherloc (09022015). Collection method: clinical testing. Allele origin: germline.
Comment: This sequence change replaces valine, which is neutral and non-polar, with methionine, which is neutral and non-polar, at codon 43 of the SZT2 protein (p.Val43Met). This variant is present in population databases (rs553295081, gnomAD 0.007%). This variant has not been reported in the literature in individuals affected with SZT2-related conditions. ClinVar contains an entry for this variant (Variation ID: 1376190). Advanced modeling of protein sequence and biophysical properties (such as structural, functional, and spatial information, amino acid conservation, physicochemical variation, residue mobility, and thermodynamic stability) performed at Invitae indicates that this missense variant is not expected to disrupt SZT2 protein function with a negative predictive value of 80%. In summary, the available evidence is currently insufficient to determine the role of this variant in disease. Therefore, it has been classified as a Variant of Uncertain Significance.

NM_001365999.1(SZT2):c.127G>A (p.Val43Met)

Gene: SZT2 (SZT2 subunit of KICSTOR complex; plus strand). Cytogenetic location: 1p34.2.
Variant type: single nucleotide variant.
Coding change: c.127G>A on transcript NM_001365999.1 (MANE Select); coding-DNA position 127, G replaced by A.
Protein change: p.Val43Met; replaces valine 43 with methionine.
Molecular consequence: missense variant.
Genome position (GRCh38, 1-based): chr1:43,403,276, G>A. VCF-style: chr1-43403276-G-A. GRCh37 (hg19) VCF-style: chr1-43868947-G-A.
Other names: c.127G>A, p.Val43Met (NM_015284.4); short protein forms V43M.
Identifiers: ClinVar variation 1376190 (VCV001376190.6), dbSNP rs553295081, ClinGen allele CA808079.